The following is an entry in ClinVar:

NM_000553.6(WRN):c.2552A>G (p.Glu851Gly)

Gene: WRN (WRN RecQ like helicase; plus strand). Cytogenetic location: 8p12.
Variant type: single nucleotide variant.
Coding change: c.2552A>G on transcript NM_000553.6 (MANE Select); coding-DNA position 2552, A replaced by G.
Protein change: p.Glu851Gly; replaces glutamic acid 851 with glycine.
Molecular consequence: missense variant.
Genome position (GRCh38, 1-based): chr8:31,120,346, A>G. VCF-style: chr8-31120346-A-G. GRCh37 (hg19) VCF-style: chr8-30977862-A-G.
Other names: short protein forms E851G.
Identifiers: ClinVar variation 1940382 (VCV001940382.5), dbSNP rs919553119, ClinGen allele CA174882252.

ClinVar aggregate classification (germline): Uncertain significance (1 of 4 stars; one submission).

Conditions:
Werner syndrome (WRN). Identifiers: Orphanet 902, MedGen C0043119, MONDO:0010196, OMIM 277700.

Allele frequency attached by ClinVar (database versions not stated): gnomAD exomes below 0.00001.
gnomAD v4.1: 1 of 1,612,974 alleles (0.000062%); highest among the groups gnomAD compares: Non-Finnish European, 0.000085%; no homozygotes.

Submission:

Labcorp Genetics (formerly Invitae), Labcorp
Classification: Uncertain significance for Werner syndrome. Last evaluated: 2022-10-27. Review status: criteria provided, single submitter. Criteria: Invitae Variant Classification Sherloc (09022015). Collection method: clinical testing. Allele origin: germline.
Comment: RNA analysis performed to evaluate the impact of this missense change on mRNA splicing indicates it does not significantly alter splicing (Invitae). Algorithms developed to predict the effect of missense changes on protein structure and function are either unavailable or do not agree on the potential impact of this missense change (SIFT: "Not Available"; PolyPhen-2: "Probably Damaging"; Align-GVGD: "Not Available"). This variant has not been reported in the literature in individuals affected with WRN-related conditions. This variant is not present in population databases (gnomAD no frequency). This sequence change replaces glutamic acid, which is acidic and polar, with glycine, which is neutral and non-polar, at codon 851 of the WRN protein (p.Glu851Gly). In summary, the available evidence is currently insufficient to determine the role of this variant in disease. Therefore, it has been classified as a Variant of Uncertain Significance.